The following is an entry in ClinVar:

ClinVar aggregate classification (germline): Uncertain significance (1 of 4 stars; one submission).

Conditions:
Generalized epilepsy with febrile seizures plus, type 7 (GEFSP7). Also called: GEFS+, TYPE 7. Identifiers: Orphanet 36387, MedGen C2751778, MONDO:0013470, OMIM 613863.
Neuropathy, hereditary sensory and autonomic, type 2A (HSAN2A). Also called: ACROOSTEOLYSIS, GIACCAI TYPE; ACROOSTEOLYSIS, NEUROGENIC; MORVAN DISEASE; NEUROPATHY, CONGENITAL SENSORY; NEUROPATHY, HEREDITARY SENSORY RADICULAR, AUTOSOMAL RECESSIVE; NEUROPATHY, HEREDITARY SENSORY, TYPE IIA. Identifiers: Orphanet 970, MedGen C2752089, MONDO:0024309, OMIM 201300.

Allele frequency attached by ClinVar (database versions not stated): gnomAD exomes below 0.00001.
gnomAD v4.1: 1 of 1,613,260 alleles (0.000062%); highest among the groups gnomAD compares: Non-Finnish European, 0.000085%; no homozygotes.

Submission:

Labcorp Genetics (formerly Invitae), Labcorp
Classification: Uncertain significance for Neuropathy, hereditary sensory and autonomic, type 2A; Generalized epilepsy with febrile seizures plus, type 7. Last evaluated: 2025-07-18. Review status: criteria provided, single submitter. Criteria: Invitae Variant Classification Sherloc (09022015). Collection method: clinical testing. Allele origin: germline.
Comment: This sequence change replaces proline, which is neutral and non-polar, with serine, which is neutral and polar, at codon 1072 of the SCN9A protein (p.Pro1072Ser). This variant is present in population databases (rs199815092, gnomAD 0.0009%). This variant has not been reported in the literature in individuals affected with SCN9A-related conditions. ClinVar contains an entry for this variant (Variation ID: 1016530). Invitae Evidence Modeling of protein sequence and biophysical properties (such as structural, functional, and spatial information, amino acid conservation, physicochemical variation, residue mobility, and thermodynamic stability) indicates that this missense variant is not expected to disrupt SCN9A protein function with a negative predictive value of 95%. In summary, the available evidence is currently insufficient to determine the role of this variant in disease. Therefore, it has been classified as a Variant of Uncertain Significance.

NM_001365536.1(SCN9A):c.3247C>T (p.Pro1083Ser)

Genes: SCN1A-AS1 (SCN1A and SCN9A antisense RNA 1; plus strand), SCN9A (sodium voltage-gated channel alpha subunit 9; minus strand). Cytogenetic location: 2q24.3.
Variant type: single nucleotide variant.
Coding change: c.3247C>T on transcript NM_001365536.1 (MANE Select); coding-DNA position 3247, C replaced by T.
Protein change: p.Pro1083Ser; replaces proline 1083 with serine.
Molecular consequence: missense variant.
Genome position (GRCh38, 1-based): chr2:166,272,503, G>A on the plus strand (C>T on the coding strand, the complement: SCN9A is on the minus strand). VCF-style: chr2-166272503-G-A. GRCh37 (hg19) VCF-style: chr2-167129013-G-A.
Other names: c.3214C>T, p.Pro1072Ser (NM_002977.4); short protein forms P1072S, P1083S.
Identifiers: ClinVar variation 1016530 (VCV001016530.9), dbSNP rs199815092, ClinGen allele CA1944113.
Genomic context (GRCh38, chr2:166,272,503, plus strand): 5'-CATTCATATTTTCCAAATCGGATTCCCCAGGTGCAATTGGCACTGTCACTGTGAGGCTGG[G>A]ATTGTGAATAAATGATTGACCATCACTGTCTTCCATCAAGTGTTTGTCCACGCTGCTTCC-3'
Protein context (NP_001352465.1, residues 1073-1093): DSDGQSFIHN[Pro1083Ser]SLTVTVPIAP